The following is an entry in ClinVar:

ClinVar aggregate classification (germline): Uncertain significance. Review status: criteria provided, multiple submitters, no conflicts (2 of 4 stars). 4 submissions from 4 submitters: Uncertain significance (4). Last evaluated 2026-01-06.

Conditions:
PCNT-related disorder. Also called: PCNT-related condition.
Inborn genetic diseases. Identifiers: MedGen C0950123, MeSH D030342.

Allele frequency attached by ClinVar (database versions not stated): ESP Exome Variant Server 0.00008.
gnomAD v4.1: 77 of 1,613,482 alleles (0.0048%); highest among the groups gnomAD compares: Non-Finnish European, 0.003%; no homozygotes.

Submissions (4):

PreventionGenetics, part of Exact Sciences
Classification: Uncertain significance for PCNT-related condition. Last evaluated: 2026-01-06. Review status: criteria provided, single submitter. Criteria: ACMG Guidelines, 2015. Collection method: clinical testing. Allele origin: germline.
Comment: The PCNT c.8905C>T variant is predicted to result in the amino acid substitution p.Arg2969Trp. To our knowledge, this variant has not been reported in the literature. This variant is reported in 0.13% of alleles in individuals of Ashkenazi Jewish descent in gnomAD, which may be too common to be a primary cause of disease. Although we suspect this variant may be benign, at this time, the clinical significance of this variant is uncertain due to the absence of conclusive functional and genetic evidence.

Ambry Genetics
Classification: Uncertain significance for Inborn genetic diseases. Last evaluated: 2023-03-07. Review status: criteria provided, single submitter. Criteria: Ambry Variant Classification Scheme 2023. Collection method: clinical testing. Allele origin: germline.

CeGaT Center for Human Genetics Tuebingen
Classification: Uncertain significance. Last evaluated: 2023-03-01. Review status: criteria provided, single submitter. Criteria: CeGaT Center For Human Genetics Tuebingen Variant Classification Criteria Version 2. Collection method: clinical testing. Allele origin: germline. Affected: yes. Observed: 1 variant allele.
Comment: PCNT: PM2, BP4

Labcorp Genetics (formerly Invitae), Labcorp
Classification: Uncertain significance. Last evaluated: 2022-09-27. Review status: criteria provided, single submitter. Criteria: Invitae Variant Classification Sherloc (09022015). Collection method: clinical testing. Allele origin: germline.
Comment: This sequence change replaces arginine, which is basic and polar, with tryptophan, which is neutral and slightly polar, at codon 2969 of the PCNT protein (p.Arg2969Trp). This variant is present in population databases (rs201154205, gnomAD 0.1%). This variant has not been reported in the literature in individuals affected with PCNT-related conditions. ClinVar contains an entry for this variant (Variation ID: 1388809). Algorithms developed to predict the effect of missense changes on protein structure and function output the following: SIFT: "Deleterious"; PolyPhen-2: "Benign"; Align-GVGD: "Class C0". The tryptophan amino acid residue is found in multiple mammalian species, which suggests that this missense change does not adversely affect protein function. In summary, the available evidence is currently insufficient to determine the role of this variant in disease. Therefore, it has been classified as a Variant of Uncertain Significance.

NM_006031.6(PCNT):c.8905C>T (p.Arg2969Trp)

Gene: PCNT (pericentrin; plus strand). Cytogenetic location: 21q22.3.
Variant type: single nucleotide variant.
Coding change: c.8905C>T on transcript NM_006031.6 (MANE Select); coding-DNA position 8905, C replaced by T.
Protein change: p.Arg2969Trp; replaces arginine 2969 with tryptophan.
Molecular consequence: missense variant.
Genome position (GRCh38, 1-based): chr21:46,436,057, C>T. VCF-style: chr21-46436057-C-T. GRCh37 (hg19) VCF-style: chr21-47855970-C-T.
Other names: c.8314C>T, p.Arg2772Trp (NM_001315529.2); c.8905C>T (NM_006031.5); short protein forms R2969W, R2772W.
Identifiers: ClinVar variation 1388809 (VCV001388809.29), dbSNP rs201154205, ClinGen allele CA10081117.